The following is an entry in ClinVar:

NM_001127208.3(TET2):c.1931A>C (p.Gln644Pro)

Genes: TET2 (tet methylcytosine dioxygenase 2; plus strand), TET2-AS1 (TET2 antisense RNA 1; minus strand). Cytogenetic location: 4q24.
Variant type: single nucleotide variant.
Coding change: c.1931A>C on transcript NM_001127208.3 (MANE Select); coding-DNA position 1931, A replaced by C.
Protein change: p.Gln644Pro; replaces glutamine 644 with proline.
Molecular consequence: missense variant.
Genome position (GRCh38, 1-based): chr4:105,235,873, A>C. VCF-style: chr4-105235873-A-C. GRCh37 (hg19) VCF-style: chr4-106157030-A-C.
Other names: c.1931A>C, p.Gln644Pro (NM_017628.4); short protein forms Q644P.
Identifiers: ClinVar variation 4183062 (VCV004183062.1).

ClinVar aggregate classification (germline): Uncertain significance (1 of 4 stars; one submission).

gnomAD v4.1: 2 of 1,614,022 alleles (0.00012%); highest among the groups gnomAD compares: Non-Finnish European, 0.00017%; no homozygotes.

Submission:

Ambry Genetics
Classification: Uncertain significance. Last evaluated: 2025-09-10. Review status: criteria provided, single submitter. Criteria: Ambry Variant Classification Scheme 2023. Collection method: clinical testing. Allele origin: germline.
Comment: The p.Q644P variant (also known as c.1931A>C), located in coding exon 1 of the TET2 gene, results from an A to C substitution at nucleotide position 1931. The glutamine at codon 644 is replaced by proline, an amino acid with similar properties. This amino acid position is conserved. In addition, this alteration is predicted to be tolerated by in silico analysis. Based on the available evidence, the clinical significance of this variant remains unclear.